The following is an entry in ClinVar:

NM_133433.4(NIPBL):c.7012G>C (p.Ala2338Pro)

Gene: NIPBL (NIPBL cohesin loading factor; plus strand). Cytogenetic location: 5p13.2.
Variant type: single nucleotide variant.
Coding change: c.7012G>C on transcript NM_133433.4 (MANE Select); coding-DNA position 7012, G replaced by C.
Protein change: p.Ala2338Pro; replaces alanine 2338 with proline.
Molecular consequence: missense variant.
Genome position (GRCh38, 1-based): chr5:37,051,836, G>C. VCF-style: chr5-37051836-G-C. GRCh37 (hg19) VCF-style: chr5-37051938-G-C.
Other names: c.7012G>C, p.Ala2338Pro (NM_015384.5); short protein forms A2338P.
Identifiers: ClinVar variation 159217 (VCV000159217.17), dbSNP rs587784030, ClinGen allele CA272278.

ClinVar aggregate classification (germline): Pathogenic/Likely pathogenic. Review status: criteria provided, multiple submitters, no conflicts (2 of 4 stars). 5 submissions from 5 submitters: Pathogenic (3); Likely pathogenic (2). Last evaluated 2024-09-22.

Conditions:
Cornelia de Lange syndrome 1 (CDLS1). Also called: Brachmann de Lange syndrome; NIPBL-Related Cornelia de Lange Syndrome; TYPUS DEGENERATIVUS AMSTELODAMENSIS. Identifiers: Orphanet 199, MedGen C4551851, MONDO:0007387, OMIM 122470.

Submissions (5):

Victorian Clinical Genetics Services, Murdoch Childrens Research Institute
Classification: Pathogenic for Cornelia de Lange syndrome 1. Last evaluated: 2024-09-22. Review status: criteria provided, single submitter. Criteria: ACMG Guidelines, 2015. Collection method: clinical testing. Allele origin: germline. Inheritance: Autosomal dominant inheritance. Affected: yes.
Comment: Based on the classification scheme VCGS_Germline_v1.3.4, this variant is classified as Pathogenic. Following criteria are met: 0102 - Loss of function is a known mechanism of disease in this gene and is associated with Cornelia de Lange syndrome 1 (MIM#122470). (I) 0107 - This gene is associated with autosomal dominant disease. (I) 0200 - Variant is predicted to result in a missense amino acid change from alanine to proline. (I) 0251 - This variant is heterozygous. (I) 0301 - Variant is absent from gnomAD (both v2 and v3). (SP) 0309 - An alternative amino acid change at the same position has been observed in gnomAD (v2) (1 heterozygote, 0 homozygotes). (I) 0501 - Missense variant consistently predicted to be damaging by multiple in silico tools or highly conserved with a major amino acid change. (SP) 0600 - Variant is located in the annotated Nipped-B_C domain (DECIPHER). (I) 0801 - This variant has strong previous evidence of pathogenicity in unrelated individuals. This variant has been classified as likely pathogenic/pathogenic by clinical laboratories and has been reported in three de novo individuals with Cornelia de Lange syndrome, one with fetal presentation (ClinVar, PMIDs: 26701315, 32033219, 36307859). (SP) Legend: (SP) - Supporting pathogenic, (I) - Information, (SB) - Supporting benign

Labcorp Genetics (formerly Invitae), Labcorp
Classification: Pathogenic for Cornelia de Lange syndrome 1. Last evaluated: 2024-01-07. Review status: criteria provided, single submitter. Criteria: Invitae Variant Classification Sherloc (09022015). Collection method: clinical testing. Allele origin: germline.
Comment: This sequence change replaces alanine, which is neutral and non-polar, with proline, which is neutral and non-polar, at codon 2338 of the NIPBL protein (p.Ala2338Pro). This variant is not present in population databases (gnomAD no frequency). This missense change has been observed in individual(s) with Cornelia de Lange syndrome (PMID: 26701315; Invitae). In at least one individual the variant was observed to be de novo. ClinVar contains an entry for this variant (Variation ID: 159217). Advanced modeling of protein sequence and biophysical properties (such as structural, functional, and spatial information, amino acid conservation, physicochemical variation, residue mobility, and thermodynamic stability) performed at Invitae indicates that this missense variant is expected to disrupt NIPBL protein function with a positive predictive value of 80%. For these reasons, this variant has been classified as Pathogenic.

GeneDx
Classification: Pathogenic. Last evaluated: 2022-01-18. Review status: criteria provided, single submitter. Criteria: GeneDx Variant Classification Process June 2021. Collection method: clinical testing. Allele origin: germline. Affected: yes.
Comment: Not observed at significant frequency in large population cohorts (gnomAD); In silico analysis supports that this missense variant has a deleterious effect on protein structure/function; This variant is associated with the following publications: (PMID: 26701315)

Genome-Nilou Lab
Classification: Likely pathogenic for Cornelia de Lange syndrome 1. Last evaluated: 2021-07-15. Review status: criteria provided, single submitter. Criteria: ACMG Guidelines, 2015. Collection method: clinical testing. Allele origin: germline. Affected: no.

Genetic Services Laboratory, University of Chicago
Classification: Likely pathogenic for Cornelia de Lange syndrome 1. Last evaluated: 2014-02-20. Review status: criteria provided, single submitter. Criteria: ACMG Guidelines, 2007. Collection method: clinical testing. Allele origin: germline. Inheritance: Autosomal dominant inheritance. Affected: yes.

Literature cited by the submitters: PubMed 26701315 (cited by Victorian Clinical Genetics Services, Murdoch Childrens Research Institute and Labcorp Genetics (formerly Invitae), Labcorp); PubMed 32033219 (cited by Victorian Clinical Genetics Services, Murdoch Childrens Research Institute); PubMed 36307859 (cited by Victorian Clinical Genetics Services, Murdoch Childrens Research Institute).